The following is an entry in ClinVar:

ClinVar aggregate classification (germline): Uncertain significance (1 of 4 stars; one submission).

Conditions:
Primary ciliary dyskinesia 33. Also called: CILIARY DYSKINESIA, PRIMARY, 33, WITHOUT SITUS INVERSUS. Identifiers: Orphanet 244, MedGen C4225230, MONDO:0014750, OMIM 616726.

Submission:

Labcorp Genetics (formerly Invitae), Labcorp
Classification: Uncertain significance for Ciliary dyskinesia, primary, 33. Last evaluated: 2018-05-17. Review status: criteria provided, single submitter. Criteria: Invitae Variant Classification Sherloc (09022015). Collection method: clinical testing. Allele origin: germline.
Comment: This variant results in a copy number gain of the genomic region encompassing exons 10-11 of the GAS8 gene. The 5' boundary is likely confined to intron 9. The 3' end of this event is unknown as it extends beyond the assayed region for this gene and therefore may encompass additional genes. As the precise location of this event is unknown, it may be in tandem or it may be located elsewhere in the genome. This variant has not been reported in the literature in individuals with GAS8-related disease. Experimental studies are not available for this variant, and the functional significance of the duplicated exons is currently unknown. In summary, the exact genomic location of this variant is unknown and the impact of this copy number gain on GAS8 protein function has not been established. Therefore, it has been classified as a Variant of Uncertain Significance.

NC_000016.9:g.(?_90108858)_(90109773_?)dup

Gene: GAS8 (growth arrest specific 8; plus strand). Cytogenetic location: 16q24.3.
Variant type: Duplication.
Identifiers: ClinVar variation 584418 (VCV000584418.1).